The following is an entry in ClinVar:

ClinVar aggregate classification (germline): Likely pathogenic (1 of 4 stars; one submission).

Conditions:
Hereditary cancer-predisposing syndrome. Also called: Hereditary neoplastic syndrome; Tumor predisposition; Hereditary Cancer Syndrome; Neoplastic Syndromes, Hereditary. Identifiers: Orphanet 140162, MedGen C0027672, MeSH D009386, MONDO:0015356.

Submission:

Ambry Genetics
Classification: Likely pathogenic for Hereditary cancer-predisposing syndrome. Last evaluated: 2023-08-14. Review status: criteria provided, single submitter. Criteria: Ambry Variant Classification Scheme 2023. Collection method: clinical testing. Allele origin: germline.
Comment: The c.8814_8815insAlu likely pathogenic variant results from the insertion of an Alu element between nucleotides 8814 and 8815 in coding exon 21 of the BRCA2 gene. Mobile element insertions contribute to pathogenicity by either disrupting the coding sequence or inducing aberrant splicing (Belancio VP et al. Semin. Cancer Biol. 2010 Aug;20:200-10; Deininger P et al. Genome Biol. 2011 Dec;12:236; van der Klift HM Hum Mutat. 2012 Jul;33(7):1051-5). Based on the majority of available evidence to date, this variant is likely to be pathogenic.

NM_000059.3:c.8814_8815insALU

Gene: BRCA2 (BRCA2 DNA repair associated; plus strand).
Variant type: Insertion.
Identifiers: ClinVar variation 2586296 (VCV002586296.2).